The following is an entry in ClinVar:

NM_001267550.2(TTN):c.48996G>A (p.Glu16332=)

Genes: TTN (titin; minus strand), TTN-AS1 (TTN antisense RNA 1; plus strand), LOC126806426 (BRD4-independent group 4 enhancer GRCh37_chr2:179478848-179480047; plus strand). Cytogenetic location: 2q31.2.
Variant type: single nucleotide variant.
Coding change: c.48996G>A on transcript NM_001267550.2 (MANE Select); coding-DNA position 48996, G replaced by A.
Protein change: p.Glu16332=; no amino-acid change (glutamic acid 16332 retained).
Molecular consequence: synonymous variant. On other transcripts: non-coding transcript variant (1).
Genome position (GRCh38, 1-based): chr2:178,614,518, C>T on the plus strand (G>A on the coding strand, the complement: TTN is on the minus strand). VCF-style: chr2-178614518-C-T. GRCh37 (hg19) VCF-style: chr2-179479245-C-T.
Other names: p.E13764E:GAG>GAA; p.Glu13764=; c.21801G>A, p.Glu7267= (NM_003319.4); c.22176G>A, p.Glu7392= (NM_133432.3); c.22377G>A, p.Glu7459= (NM_133437.4); c.44073G>A, p.Glu14691= (NM_001256850.1); c.41292G>A, p.Glu13764= (NM_133378.4).
Identifiers: ClinVar variation 47026 (VCV000047026.38), dbSNP rs72677244, ClinGen allele CA283328.
Genomic context (GRCh38, chr2:178,614,518, plus strand): 5'-TTCCTTACCTAAGACGTTCACTTCCACCACAGCAGTGGCCCGGCCACACACATTCACAGC[C>T]TCAATGATATATGTGCCAGTGTCACTTCTCTTACTATCAACAATAGTCACTGTGGATTTC-3'
Protein context (NP_001254479.2, residues 16322-16342): KRSDTGTYII[Glu16332=]AVNVCGRATA

ClinVar aggregate classification (germline): Benign. Review status: criteria provided, multiple submitters, no conflicts (2 of 4 stars). 24 submissions from 17 submitters: Benign (21). 3 of the submissions do not count toward it. Last evaluated 2026-02-04.

Conditions:
Cardiovascular phenotype. Identifiers: MedGen CN230736.
Autosomal recessive limb-girdle muscular dystrophy type 2J (LGMDR10). Also called: Limb-girdle muscular dystrophy, type 2J; MUSCULAR DYSTROPHY, LIMB-GIRDLE, AUTOSOMAL RECESSIVE 10. Identifiers: Orphanet 140922, MedGen C1837342, MONDO:0012127, OMIM 608807.
Dilated cardiomyopathy 1G (CMD1G). Identifiers: Orphanet 154, MedGen C1858763, MONDO:0011400, OMIM 604145.
Early-onset myopathy with fatal cardiomyopathy (CMYO5). Also called: Salih Myopathy; CONGENITAL MYOPATHY 5 WITH CARDIOMYOPATHY. Identifiers: Orphanet 289377, MedGen C2673677, MONDO:0012714, OMIM 611705. Disease mechanism: loss of function.
Myopathy, myofibrillar, 9, with early respiratory failure (MFM9). Also called: Hereditary myopathy with early respiratory failure; EDSTROM MYOPATHY; MYOPATHY, PROXIMAL, WITH EARLY RESPIRATORY MUSCLE INVOLVEMENT; Myopathy, distal, with early respiratory failure, autosomal dominant. Identifiers: Orphanet 178464, Orphanet 34521, MedGen C1863599, MONDO:0011362, OMIM 603689.
Tibial muscular dystrophy (TMD). Also called: UDD MYOPATHY; Udd Distal Myopathy – Tibial Muscular Dystrophy; Tibial muscular dystrophy, tardive. Identifiers: Orphanet 609, MedGen C1838244, MONDO:0010870, OMIM 600334.

Allele frequency attached by ClinVar (database versions not stated): gnomAD exomes 0.02035 and 0.03359; ESP Exome Variant Server 0.02911; ExAC 0.03416; gnomAD 0.03561 and 0.03734; TOPMed 0.03663; 1000 Genomes Project 30x 0.07105; 1000 Genomes Project 0.07248.
gnomAD v4.1: 35,928 of 1,612,146 alleles (2.2%); highest among the groups gnomAD compares: East Asian, 13%; 959 homozygotes.

Submissions (24):

Labcorp Genetics (formerly Invitae), Labcorp
Classification: Benign for Dilated cardiomyopathy 1G; Autosomal recessive limb-girdle muscular dystrophy type 2J. Last evaluated: 2026-02-04. Review status: criteria provided, single submitter. Criteria: Invitae Variant Classification Sherloc (09022015). Collection method: clinical testing. Allele origin: germline.

ARUP Laboratories, Molecular Genetics and Genomics, ARUP Laboratories
Classification: Benign. Last evaluated: 2025-06-25. Review status: criteria provided, single submitter. Criteria: ARUP Molecular Germline Variant Investigation Process 2024. Collection method: clinical testing. Allele origin: germline.

Molecular Diagnostic Laboratory for Inherited Cardiovascular Disease, Montreal Heart Institute
Classification: Benign. Last evaluated: 2025-04-09. Review status: criteria provided, single submitter. Criteria: ACMG Guidelines, 2015. Collection method: clinical testing. Allele origin: germline. Affected: no.

Blueprint Genetics
Classification: Benign. Last evaluated: 2024-11-26. Review status: criteria provided, single submitter. Criteria: ACMG Guidelines, 2015. Collection method: clinical testing. Allele origin: germline.

Genome-Nilou Lab
Classification: Benign for Autosomal recessive limb-girdle muscular dystrophy type 2J. Last evaluated: 2021-09-10. Review status: criteria provided, single submitter. Criteria: ACMG Guidelines, 2015. Collection method: clinical testing. Allele origin: germline. Affected: no.

Genome-Nilou Lab
Classification: Benign for Myopathy, myofibrillar, 9, with early respiratory failure. Last evaluated: 2021-09-10. Review status: criteria provided, single submitter. Criteria: ACMG Guidelines, 2015. Collection method: clinical testing. Allele origin: germline. Affected: no.

Genome-Nilou Lab
Classification: Benign for Early-onset myopathy with fatal cardiomyopathy. Last evaluated: 2021-09-10. Review status: criteria provided, single submitter. Criteria: ACMG Guidelines, 2015. Collection method: clinical testing. Allele origin: germline. Affected: no.

Genome-Nilou Lab
Classification: Benign for Tibial muscular dystrophy. Last evaluated: 2021-09-10. Review status: criteria provided, single submitter. Criteria: ACMG Guidelines, 2015. Collection method: clinical testing. Allele origin: germline. Affected: no.

Women's Health and Genetics/Laboratory Corporation of America, LabCorp
Classification: Benign. Last evaluated: 2020-01-11. Review status: criteria provided, single submitter. Criteria: LabCorp Variant Classification Summary - May 2015. Collection method: clinical testing. Allele origin: germline.

Illumina Laboratory Services, Illumina
Classification: Benign for Dilated cardiomyopathy 1G. Last evaluated: 2018-01-13. Review status: criteria provided, single submitter. Criteria: ICSL Variant Classification Criteria 13 December 2019. Collection method: clinical testing. Allele origin: germline.
Comment: This variant was observed in the ICSL laboratory as part of a predisposition screen in an ostensibly healthy population. It had not been previously curated by ICSL or reported in the Human Gene Mutation Database (HGMD: prior to June 1st, 2018), and was therefore a candidate for classification through an automated scoring system. Utilizing variant allele frequency, disease prevalence and penetrance estimates, and inheritance mode, an automated score was calculated to assess if this variant is too frequent to cause the disease. Based on the score and internal cut-off values, a variant classified as benign is not then subjected to further curation. The score for this variant resulted in a classification of benign for this disease.

Illumina Laboratory Services, Illumina
Classification: Benign for Early-onset myopathy with fatal cardiomyopathy. Last evaluated: 2018-01-13. Review status: criteria provided, single submitter. Criteria: ICSL Variant Classification Criteria 13 December 2019. Collection method: clinical testing. Allele origin: germline.
Comment: the same text as in the submission from Illumina Laboratory Services, Illumina above.

Illumina Laboratory Services, Illumina
Classification: Benign for Tibial muscular dystrophy. Last evaluated: 2018-01-13. Review status: criteria provided, single submitter. Criteria: ICSL Variant Classification Criteria 13 December 2019. Collection method: clinical testing. Allele origin: germline.
Comment: the same text as in the submission from Illumina Laboratory Services, Illumina above.

Illumina Laboratory Services, Illumina
Classification: Benign for Autosomal recessive limb-girdle muscular dystrophy type 2J. Last evaluated: 2018-01-13. Review status: criteria provided, single submitter. Criteria: ICSL Variant Classification Criteria 13 December 2019. Collection method: clinical testing. Allele origin: germline.
Comment: the same text as in the submission from Illumina Laboratory Services, Illumina above.

Illumina Laboratory Services, Illumina
Classification: Benign for Myopathy, myofibrillar, 9, with early respiratory failure. Last evaluated: 2018-01-13. Review status: criteria provided, single submitter. Criteria: ICSL Variant Classification Criteria 13 December 2019. Collection method: clinical testing. Allele origin: germline.
Comment: the same text as in the submission from Illumina Laboratory Services, Illumina above.

Mayo Clinic Laboratories, Mayo Clinic
Classification: Benign. Last evaluated: 2017-08-24. Review status: criteria provided, single submitter. Criteria: ACMG Guidelines, 2015. Collection method: clinical testing. Allele origin: germline. Observed: 133 variant alleles.

Genetic Services Laboratory, University of Chicago
Classification: Benign for AllHighlyPenetrant. Last evaluated: 2013-08-15. Review status: criteria provided, single submitter. Criteria: ACMG Guidelines, 2007. Collection method: clinical testing. Allele origin: germline.

GeneDx
Classification: Benign. Last evaluated: 2012-10-18. Review status: criteria provided, single submitter. Criteria: GeneDx Variant Classification (06012015). Collection method: clinical testing. Allele origin: germline. Affected: yes.
Comment: This variant is considered likely benign or benign based on one or more of the following criteria: it is a conservative change, it occurs at a poorly conserved position in the protein, it is predicted to be benign by multiple in silico algorithms, and/or has population frequency not consistent with disease.

Ambry Genetics
Classification: Benign for Cardiovascular phenotype. Last evaluated: 2012-08-10. Review status: criteria provided, single submitter. Criteria: Ambry Autosomal Dominant and X-Linked criteria (10/2015). Collection method: clinical testing. Allele origin: germline. Observed: 1 variant allele.

Laboratory for Molecular Medicine, Mass General Brigham Personalized Medicine
Classification: Benign. Last evaluated: 2011-11-11. Review status: criteria provided, single submitter. Criteria: LMM Criteria. Collection method: clinical testing. Allele origin: germline. Observed: 99 variant alleles.

Breakthrough Genomics
Classification: Benign. Review status: criteria provided, single submitter. Criteria: ACMG Guidelines, 2015. Collection method: not provided. Allele origin: germline. Inheritance: Autosomal recessive inheritance. Affected: yes.

PreventionGenetics, part of Exact Sciences
Classification: Benign. Review status: criteria provided, single submitter. Criteria: ACMG Guidelines, 2015. Collection method: clinical testing. Allele origin: germline.

Clinical Genetics DNA and cytogenetics Diagnostics Lab, Erasmus MC, Erasmus Medical Center
Classification: Benign. Review status: no assertion criteria provided. Collection method: clinical testing. Allele origin: germline. Affected: yes. Study: VKGL Data-share Consensus. Not counted in ClinVar's aggregate classification.

Clinical Genetics, Academic Medical Center
Classification: Benign. Review status: no assertion criteria provided. Collection method: clinical testing. Allele origin: germline. Affected: yes. Study: VKGL Data-share Consensus. Not counted in ClinVar's aggregate classification.

Laboratory of Diagnostic Genome Analysis, Leiden University Medical Center (LUMC)
Classification: Likely benign. Review status: no assertion criteria provided. Collection method: clinical testing. Allele origin: germline. Affected: yes. Study: VKGL Data-share Consensus. Not counted in ClinVar's aggregate classification.